The following is an entry in ClinVar:

NM_005633.4(SOS1):c.2267G>A (p.Ser756Asn)

Gene: SOS1 (SOS Ras/Rac guanine nucleotide exchange factor 1; minus strand). Cytogenetic location: 2p22.1.
Variant type: single nucleotide variant.
Coding change: c.2267G>A on transcript NM_005633.4 (MANE Select); coding-DNA position 2267, G replaced by A.
Protein change: p.Ser756Asn; replaces serine 756 with asparagine.
Molecular consequence: missense variant.
Genome position (GRCh38, 1-based): chr2:39,012,249, C>T on the plus strand (G>A on the coding strand, the complement: SOS1 is on the minus strand). VCF-style: chr2-39012249-C-T. GRCh37 (hg19) VCF-style: chr2-39239390-C-T.
Other names: c.2246G>A, p.Ser749Asn (NM_001382394.1); c.2267G>A, p.Ser756Asn (NM_001382395.1); short protein forms S749N, S756N.
Identifiers: ClinVar variation 1995025 (VCV001995025.4), dbSNP rs2528992637, ClinGen allele CA346364256.

ClinVar aggregate classification (germline): Uncertain significance (1 of 4 stars; one submission).

Conditions:
RASopathy. Also called: rasopathies; Noonan spectrum disorder. Identifiers: Orphanet 536391, MedGen C5555857, MONDO:0021060.

Submission:

Labcorp Genetics (formerly Invitae), Labcorp
Classification: Uncertain significance for RASopathy. Last evaluated: 2022-05-16. Review status: criteria provided, single submitter. Criteria: Invitae Variant Classification Sherloc (09022015). Collection method: clinical testing. Allele origin: germline.
Comment: This variant is not present in population databases (gnomAD no frequency). In summary, the available evidence is currently insufficient to determine the role of this variant in disease. Therefore, it has been classified as a Variant of Uncertain Significance. Advanced modeling of protein sequence and biophysical properties (such as structural, functional, and spatial information, amino acid conservation, physicochemical variation, residue mobility, and thermodynamic stability) performed at Invitae indicates that this missense variant is not expected to disrupt SOS1 protein function. This variant has not been reported in the literature in individuals affected with SOS1-related conditions. This sequence change replaces serine, which is neutral and polar, with asparagine, which is neutral and polar, at codon 756 of the SOS1 protein (p.Ser756Asn).